The following is an entry in ClinVar:

ClinVar aggregate classification (germline): Likely benign. Review status: criteria provided, multiple submitters, no conflicts (2 of 4 stars). 4 submissions from 4 submitters: Likely benign (4). Last evaluated 2026-01-27.

Conditions:
BAP1-related tumor predisposition syndrome (TPDS1). Also called: Tumor susceptibility linked to germline BAP1 mutations; BAP1 tumor predisposition syndrome; COMMON Syndrome; TUMOR PREDISPOSITION SYNDROME 1. Identifiers: Orphanet 289539, MedGen C3280492, MONDO:0013692, OMIM 614327.
Hereditary cancer-predisposing syndrome. Also called: Hereditary Cancer Syndrome; Neoplastic Syndromes, Hereditary; Tumor predisposition; Hereditary neoplastic syndrome. Identifiers: Orphanet 140162, MedGen C0027672, MeSH D009386, MONDO:0015356.

Allele frequency attached by ClinVar (database versions not stated): gnomAD exomes below 0.00001; gnomAD 0.00001; TOPMed 0.00001; ESP Exome Variant Server 0.00008.
gnomAD v4.1: 6 of 1,613,478 alleles (0.00037%); highest among the groups gnomAD compares: Non-Finnish European, 0.00051%; no homozygotes.

Submissions (4):

Labcorp Genetics (formerly Invitae), Labcorp
Classification: Likely benign for BAP1-related tumor predisposition syndrome. Last evaluated: 2026-01-27. Review status: criteria provided, single submitter. Criteria: Invitae Variant Classification Sherloc (09022015). Collection method: clinical testing. Allele origin: germline.

Myriad Genetics, Inc.
Classification: Likely benign for BAP1-related tumor predisposition syndrome. Last evaluated: 2024-07-12. Review status: criteria provided, single submitter. Criteria: Myriad Autosomal Dominant, Autosomal Recessive and X-Linked Classification Criteria (2023). Collection method: clinical testing. Allele origin: unknown.
Comment: This variant is considered likely benign. This variant is intronic and is not expected to impact mRNA splicing.

Ambry Genetics
Classification: Likely benign for Hereditary cancer-predisposing syndrome. Last evaluated: 2023-07-28. Review status: criteria provided, single submitter. Criteria: Ambry Variant Classification Scheme 2023. Collection method: clinical testing. Allele origin: germline.

Color Diagnostics, LLC DBA Color Health
Classification: Likely benign for Hereditary cancer-predisposing syndrome. Last evaluated: 2016-03-18. Review status: criteria provided, single submitter. Criteria: ACMG Guidelines, 2015. Collection method: clinical testing. Allele origin: germline.

NM_004656.4(BAP1):c.375+4G>A

Gene: BAP1 (BRCA1 associated deubiquitinase 1; minus strand). Cytogenetic location: 3p21.1.
Variant type: single nucleotide variant.
Coding change: c.375+4G>A on transcript NM_004656.4 (MANE Select); 4 bases into the intron after coding-DNA position 375, G replaced by A.
Molecular consequence: intron variant.
Genome position (GRCh38, 1-based): chr3:52,407,954, C>T on the plus strand (G>A on the coding strand, the complement: BAP1 is on the minus strand). VCF-style: chr3-52407954-C-T. GRCh37 (hg19) VCF-style: chr3-52441970-C-T.
Identifiers: ClinVar variation 490863 (VCV000490863.18), dbSNP rs371114912, ClinGen allele CA74744026.